The following is an entry in ClinVar:

NM_001999.4(FBN2):c.3343+266G>A

Gene: FBN2 (fibrillin 2; minus strand). Cytogenetic location: 5q23.3.
Variant type: single nucleotide variant.
Coding change: c.3343+266G>A on transcript NM_001999.4 (MANE Select); 266 bases into the intron after coding-DNA position 3343, G replaced by A.
Molecular consequence: intron variant.
Genome position (GRCh38, 1-based): chr5:128,344,119, C>T on the plus strand (G>A on the coding strand, the complement: FBN2 is on the minus strand). VCF-style: chr5-128344119-C-T. GRCh37 (hg19) VCF-style: chr5-127679811-C-T.
Identifiers: ClinVar variation 672950 (VCV000672950.1), dbSNP rs141806441, ClinGen allele CA127018026.

ClinVar aggregate classification (germline): Likely benign (1 of 4 stars; one submission).

Allele frequency attached by ClinVar (database versions not stated): 1000 Genomes Project 30x 0.00843; 1000 Genomes Project 0.00919; gnomAD 0.01119 and 0.01236; TOPMed 0.01401.
gnomAD v4.1: 1,696 of 152,132 alleles (1.1%); highest among the groups gnomAD compares: African/African-American, 3.8%; 32 homozygotes.

Submission:

GeneDx
Classification: Likely benign. Last evaluated: 2018-06-14. Review status: criteria provided, single submitter. Criteria: GeneDx Variant Classification (06012015). Collection method: clinical testing. Allele origin: germline. Affected: yes.
Comment: This variant is considered likely benign or benign based on one or more of the following criteria: it is a conservative change, it occurs at a poorly conserved position in the protein, it is predicted to be benign by multiple in silico algorithms, and/or has population frequency not consistent with disease.